The following is an entry in ClinVar:

ClinVar aggregate classification (germline): Benign/Likely benign. Review status: criteria provided, multiple submitters, no conflicts (2 of 4 stars). 11 submissions from 11 submitters: Benign (1); Likely benign (7). 3 of the submissions do not count toward it. Last evaluated 2026-01-26.

Conditions:
COL1A2-related disorder. Also called: COL1A2-Related Disorders; COL1A2-related condition.
Ehlers-Danlos syndrome, classic type, 1 (EDSCL1). Also called: Ehlers-Danlos Syndrome, Classic Type, COL5A1-Related; EHLERS-DANLOS SYNDROME, GRAVIS TYPE; EHLERS-DANLOS SYNDROME, SEVERE CLASSIC TYPE; EDS I; Ehlers-Danlos syndrome, type 1. Identifiers: MedGen C0268335, MONDO:0019567, OMIM 130000.
Osteogenesis imperfecta type I (OI1). Also called: Classic Non-deforming Osteogenesis Imperfecta with Blue Sclerae; Osteogenesis imperfecta type 1; OI, TYPE I; OSTEOGENESIS IMPERFECTA TARDA; OSTEOGENESIS IMPERFECTA WITH BLUE SCLERAE; Lobstein disease. Identifiers: Orphanet 216796, Orphanet 666, MedGen C0023931, MONDO:0008146, OMIM 166200. Disease mechanism: loss of function.
Cardiovascular phenotype. Identifiers: MedGen CN230736.

Allele frequency attached by ClinVar (database versions not stated): gnomAD exomes 0.00015 and 0.00037; ExAC 0.00047; 1000 Genomes Project 0.00100; 1000 Genomes Project 30x 0.00125; gnomAD 0.00127 and 0.00139; ESP Exome Variant Server 0.00131; TOPMed 0.00137.
gnomAD v4.1: 427 of 1,613,986 alleles (0.026%); highest among the groups gnomAD compares: African/African-American, 0.44%; 2 homozygotes.

Submissions (11):

Labcorp Genetics (formerly Invitae), Labcorp
Classification: Likely benign for Osteogenesis imperfecta type I; Ehlers-Danlos syndrome, classic type, 1. Last evaluated: 2026-01-26. Review status: criteria provided, single submitter. Criteria: Invitae Variant Classification Sherloc (09022015). Collection method: clinical testing. Allele origin: germline.

Women's Health and Genetics/Laboratory Corporation of America, LabCorp
Classification: Likely benign. Last evaluated: 2025-05-19. Review status: criteria provided, single submitter. Criteria: LabCorp Variant Classification Summary - May 2015. Collection method: clinical testing. Allele origin: germline.
Comment: Variant summary: COL1A2 c.3139G>A (p.Val1047Met) results in a conservative amino acid change in the encoded protein sequence. Algorithms developed to predict the effect of missense changes on protein structure and function all suggest that this variant is likely to be tolerated. The variant allele was found at a frequency of 0.00037 in 251276 control chromosomes. The observed variant frequency is approximately 13-fold of the estimated maximal expected allele frequency for a pathogenic variant in COL1A2 causing Osteogenesis Imperfecta phenotype (2.8e-05), suggesting the variant may be benign. c.3139G>A has been observed in at least one individual affected with Osteogenesis Imperfecta. However, the variant did not segregate with disease and was found to co-occurr with a COL1A2 exon 11-12 deletion which did segregate with disease within one family (Batkovskyte_2025), providing supporting evidence for a benign role. To our knowledge, no experimental evidence demonstrating an impact on protein function has been reported. The following publication has been ascertained in the context of this evaluation (PMID: 39513464). ClinVar contains an entry for this variant (Variation ID: 283153). Based on the evidence outlined above, the variant was classified as likely benign.

Blueprint Genetics
Classification: Likely benign. Last evaluated: 2024-09-23. Review status: criteria provided, single submitter. Criteria: ACMG Guidelines, 2015. Collection method: clinical testing. Allele origin: germline.

ARUP Laboratories, Molecular Genetics and Genomics, ARUP Laboratories
Classification: Likely benign. Last evaluated: 2024-06-21. Review status: criteria provided, single submitter. Criteria: ARUP Molecular Germline Variant Investigation Process 2024. Collection method: clinical testing. Allele origin: germline.

Mayo Clinic Laboratories, Mayo Clinic
Classification: Likely benign. Last evaluated: 2023-11-14. Review status: criteria provided, single submitter. Criteria: ACMG Guidelines, 2015. Collection method: clinical testing. Allele origin: germline. Observed: 3 variant alleles.
Comment: BS1, BP4

GeneDx
Classification: Likely benign. Last evaluated: 2021-05-21. Review status: criteria provided, single submitter. Criteria: GeneDx Variant Classification (06012015). Collection method: clinical testing. Allele origin: germline. Affected: yes.

Ambry Genetics
Classification: Likely benign for Cardiovascular phenotype. Last evaluated: 2020-03-02. Review status: criteria provided, single submitter. Criteria: Ambry Variant Classification Scheme 2023. Collection method: clinical testing. Allele origin: germline.

Eurofins Ntd Llc (ga)
Classification: Benign. Last evaluated: 2015-09-25. Review status: criteria provided, single submitter. Criteria: EGL Classification Definitions 2015. Collection method: clinical testing. Allele origin: germline. Observed: 1 variant allele, 1 heterozygote.

PreventionGenetics, part of Exact Sciences
Classification: Likely benign for COL1A2-related condition. Last evaluated: 2021-10-25. Review status: no assertion criteria provided. Collection method: clinical testing. Allele origin: germline. Not counted in ClinVar's aggregate classification.
Comment: This variant is classified as likely benign based on ACMG/AMP sequence variant interpretation guidelines (Richards et al. 2015 PMID: 25741868, with internal and published modifications).

Clinical Genetics DNA and cytogenetics Diagnostics Lab, Erasmus MC, Erasmus Medical Center
Classification: Likely benign. Review status: no assertion criteria provided. Collection method: clinical testing. Allele origin: germline. Affected: yes. Study: VKGL Data-share Consensus. Not counted in ClinVar's aggregate classification.

Genome Diagnostics Laboratory, Amsterdam University Medical Center
Classification: Likely benign. Review status: no assertion criteria provided. Collection method: clinical testing. Allele origin: germline. Affected: yes. Study: VKGL Data-share Consensus. Not counted in ClinVar's aggregate classification.

Literature cited by the submitters: PubMed 39513464 (cited by Women's Health and Genetics/Laboratory Corporation of America, LabCorp).

NM_000089.4(COL1A2):c.3139G>A (p.Val1047Met)

Gene: COL1A2 (collagen type I alpha 2 chain; plus strand). Cytogenetic location: 7q21.3.
Variant type: single nucleotide variant.
Coding change: c.3139G>A on transcript NM_000089.4 (MANE Select); coding-DNA position 3139, G replaced by A.
Protein change: p.Val1047Met; replaces valine 1047 with methionine.
Molecular consequence: missense variant.
Genome position (GRCh38, 1-based): chr7:94,427,041, G>A. VCF-style: chr7-94427041-G-A. GRCh37 (hg19) VCF-style: chr7-94056353-G-A.
Other names: p.Val1047Met; short protein forms V1047M.
Identifiers: ClinVar variation 283153 (VCV000283153.35), dbSNP rs35820023, ClinGen allele CA4347683.